The following is an entry in ClinVar:

ClinVar aggregate classification (germline): Conflicting classifications of pathogenicity. Review status: criteria provided, conflicting classifications (1 of 4 stars). 3 submissions from 3 submitters: Uncertain significance (2); Likely benign (1). Last evaluated 2024-07-21.

Conditions:
Hereditary cancer-predisposing syndrome. Also called: Hereditary Cancer Syndrome; Neoplastic Syndromes, Hereditary; Tumor predisposition; Hereditary neoplastic syndrome. Identifiers: Orphanet 140162, MedGen C0027672, MeSH D009386, MONDO:0015356.

Allele frequency attached by ClinVar (database versions not stated): gnomAD exomes below 0.00001.
gnomAD v4.1: 2 of 1,614,098 alleles (0.00012%); highest among the groups gnomAD compares: Non-Finnish European, 0.00017%; no homozygotes.

Submissions (3):

Labcorp Genetics (formerly Invitae), Labcorp
Classification: Uncertain significance. Last evaluated: 2024-07-21. Review status: criteria provided, single submitter. Criteria: Invitae Variant Classification Sherloc (09022015). Collection method: clinical testing. Allele origin: germline.
Comment: This sequence change falls in intron 34 of the POLE gene. It does not directly change the encoded amino acid sequence of the POLE protein. It affects a nucleotide within the consensus splice site. This variant is not present in population databases (gnomAD no frequency). This variant has not been reported in the literature in individuals affected with POLE-related conditions. ClinVar contains an entry for this variant (Variation ID: 513288). Variants that disrupt the consensus splice site are a relatively common cause of aberrant splicing (PMID: 17576681, 9536098). Algorithms developed to predict the effect of sequence changes on RNA splicing suggest that this variant is not likely to affect RNA splicing. In summary, the available evidence is currently insufficient to determine the role of this variant in disease. Therefore, it has been classified as a Variant of Uncertain Significance.

GeneDx
Classification: Likely benign. Last evaluated: 2020-11-24. Review status: criteria provided, single submitter. Criteria: GeneDx Variant Classification Process June 2021. Collection method: clinical testing. Allele origin: germline. Affected: yes.

Ambry Genetics
Classification: Uncertain significance for Hereditary cancer-predisposing syndrome. Last evaluated: 2018-04-30. Review status: criteria provided, single submitter. Criteria: Ambry Variant Classification Scheme 2023. Collection method: clinical testing. Allele origin: germline.
Comment: The c.4445-3C>T intronic variant results from a C to T substitution 3 nucleotides upstream from coding exon 35 in the POLE gene. This nucleotide position is not well conserved in available vertebrate species. The BDGP splice prediction software does not predict a deleterious effect on splicing, while the ESEfinder splice prediction software predicts a slight weakening in the native splice acceptor site efficiency. Since supporting evidence is limited at this time, the clinical significance of this alteration remains unclear.

Literature cited by the submitters: PubMed 17576681 (cited by Labcorp Genetics (formerly Invitae), Labcorp); PubMed 9536098 (cited by Labcorp Genetics (formerly Invitae), Labcorp).

NM_006231.4(POLE):c.4445-3C>T

Gene: POLE (DNA polymerase epsilon, catalytic subunit; minus strand). Cytogenetic location: 12q24.33.
Variant type: single nucleotide variant.
Coding change: c.4445-3C>T on transcript NM_006231.4 (MANE Select); 3 bases into the intron before coding-DNA position 4445, C replaced by T.
Molecular consequence: intron variant.
Genome position (GRCh38, 1-based): chr12:132,643,333, G>A on the plus strand (C>T on the coding strand, the complement: POLE is on the minus strand). VCF-style: chr12-132643333-G-A. GRCh37 (hg19) VCF-style: chr12-133219919-G-A.
Identifiers: ClinVar variation 513288 (VCV000513288.16), dbSNP rs1555222948, ClinGen allele CA658798027.